The following is an entry in ClinVar:

NM_000051.4(ATM):c.7150del (p.Lys2383_Met2384insTer)

Genes: ATM (ATM serine/threonine kinase; plus strand), C11orf65 (chromosome 11 open reading frame 65; minus strand). Cytogenetic location: 11q22.3.
Variant type: Deletion.
Coding change: c.7150del on transcript NM_000051.4 (MANE Select); coding-DNA position 7150, one base deleted (A; older notation c.7150delA).
Protein change: p.Lys2383_Met2384insTer.
Molecular consequence: nonsense. On other transcripts: intron variant (2).
Genome position (GRCh38, 1-based): chr11:108,329,081, A deleted; the last of 5 consecutive A bases (chr11:108,329,077-108,329,081); deleting any one gives the same sequence. VCF-style (leftmost placement, unchanged base first): chr11-108329076-GA-G. GRCh37 (hg19) VCF-style: chr11-108199803-GA-G.
Other names: c.7150del, p.Lys2383_Met2384insTer (NM_001351834.2); c.641-20006del (NM_001330368.2); c.*38+6143del (NM_001351110.2).
Identifiers: ClinVar variation 3447991 (VCV003447991.1).
Genomic context (GRCh38, chr11:108,329,076, plus strand): 5'-TGAAGGCAGTAGAAGTTGCTGGAAATTATGATGGAGAAAGTAGTGATGAGCTAAGAAATG[GA>G]AAAATGAAGGCATTTCTCTCATTAGCCCGGTTTTCAGATACTCAATACCAAAGAATTGAA-3'

ClinVar aggregate classification (germline): Pathogenic. Review status: criteria provided, multiple submitters, no conflicts (2 of 4 stars). 2 submissions from 2 submitters: Pathogenic (2). Last evaluated 2025-06-22.

Conditions:
Ataxia-telangiectasia syndrome (AT). Also called: LOUIS-BAR SYNDROME; Cerebello-oculocutaneous telangiectasia; Immunodeficiency with ataxia telangiectasia; ATAXIA-TELANGIECTASIA, COMPLEMENTATION GROUP A; ATAXIA-TELANGIECTASIA, FRESNO VARIANT; Ataxia-telangiectasia. Identifiers: Orphanet 100, MedGen C0004135, MONDO:0008840, OMIM 208900.
Hereditary cancer-predisposing syndrome. Also called: Tumor predisposition; Hereditary Cancer Syndrome; Neoplastic Syndromes, Hereditary; Hereditary neoplastic syndrome. Identifiers: Orphanet 140162, MedGen C0027672, MeSH D009386, MONDO:0015356.

Submissions (2):

Natera, Inc.
Classification: Pathogenic for Ataxia-telangiectasia. Last evaluated: 2025-06-22. Review status: criteria provided, single submitter. Criteria: Natera Variant Classification Schema (03/2026). Collection method: clinical testing. Allele origin: germline.
Comment: The c.7150delA variant in ATM is a frameshift variant predicted to shift the reading frame and introduce a stop codon. This variant is expected to result in nonsense mediated decay, truncation, or a dysfunctional protein product. This variant is rare in the general population with a frequency below the threshold expected for the associated phenotype(s). This variant has been observed in one or more individuals affected with the associated recessive disease, as either homozygous or compound heterozygous with a second variant (PMID: 17124347). Given the available evidence, this variant is classified as Pathogenic.

Ambry Genetics
Classification: Pathogenic for Hereditary cancer-predisposing syndrome. Last evaluated: 2024-11-29. Review status: criteria provided, single submitter. Criteria: Ambry Variant Classification Scheme 2023. Collection method: clinical testing. Allele origin: germline.
Comment: The c.7150delA pathogenic mutation, located in coding exon 48 of the ATM gene, results from a deletion of one nucleotide at nucleotide position 7150, causing a translational frameshift with a predicted alternate stop codon (p.M2384*). This mutation was identified in conjunction with a second mutation in a cohort of Italian patients with classic ataxia telangiectasia (A-T) (Saviozzi S et al. Hum. Mutat. 2003 Apr; 21(4):450). This variant is considered to be rare based on population cohorts in the Genome Aggregation Database (gnomAD). In addition to the clinical data presented in the literature, this alteration is expected to result in loss of function by premature protein truncation or nonsense-mediated mRNA decay. As such, this alteration is interpreted as a disease-causing mutation.

Literature cited by the submitters: PubMed 17124347 (cited by Natera, Inc.); PubMed 12655570 (cited by Ambry Genetics).